The following is an entry in ClinVar:

NM_002591.4(PCK1):c.609A>G (p.Gln203=)

Gene: PCK1 (phosphoenolpyruvate carboxykinase 1; plus strand). Cytogenetic location: 20q13.31.
Variant type: single nucleotide variant.
Coding change: c.609A>G on transcript NM_002591.4 (MANE Select); coding-DNA position 609, A replaced by G.
Protein change: p.Gln203=; no amino-acid change (glutamine 203 retained).
Molecular consequence: synonymous variant.
Genome position (GRCh38, 1-based): chr20:57,562,898, A>G. VCF-style: chr20-57562898-A-G. GRCh37 (hg19) VCF-style: chr20-56137954-A-G.
Identifiers: ClinVar variation 1380489 (VCV001380489.6), dbSNP rs766993725, ClinGen allele CA9922073.

ClinVar aggregate classification (germline): Uncertain significance (1 of 4 stars; one submission).

Allele frequency attached by ClinVar (database versions not stated): TOPMed below 0.00001; gnomAD 0.00001; gnomAD exomes 0.00001 and 0.00003; ExAC 0.00002.

Submission:

Labcorp Genetics (formerly Invitae), Labcorp
Classification: Uncertain significance. Last evaluated: 2021-09-29. Review status: criteria provided, single submitter. Criteria: Invitae Variant Classification Sherloc (09022015). Collection method: clinical testing. Allele origin: germline.
Comment: Algorithms developed to predict the effect of sequence changes on RNA splicing suggest that this variant may create or strengthen a splice site. In summary, the available evidence is currently insufficient to determine the role of this variant in disease. Therefore, it has been classified as a Variant of Uncertain Significance. This variant has not been reported in the literature in individuals affected with PCK1-related conditions. This variant is present in population databases (rs766993725, ExAC 0.03%). This sequence change affects codon 203 of the PCK1 mRNA. It is a 'silent' change, meaning that it does not change the encoded amino acid sequence of the PCK1 protein. It affects a nucleotide within the consensus splice site of the intron.